The following is an entry in ClinVar:

NM_003476.5(CSRP3):c.415-3C>T

Gene: CSRP3 (cysteine and glycine rich protein 3; minus strand). Cytogenetic location: 11p15.1.
Variant type: single nucleotide variant.
Coding change: c.415-3C>T on transcript NM_003476.5 (MANE Select); 3 bases into the intron before coding-DNA position 415, C replaced by T.
Molecular consequence: intron variant.
Genome position (GRCh38, 1-based): chr11:19,185,048, G>A on the plus strand (C>T on the coding strand, the complement: CSRP3 is on the minus strand). VCF-style: chr11-19185048-G-A. GRCh37 (hg19) VCF-style: chr11-19206595-G-A.
Other names: c.246-3C>T (NM_001369404.1).
Identifiers: ClinVar variation 2148052 (VCV002148052.4), dbSNP rs1168570588, ClinGen allele CA597473068.

ClinVar aggregate classification (germline): Uncertain significance (1 of 4 stars; one submission).

Conditions:
Dilated cardiomyopathy 1M (CMD1M). Identifiers: Orphanet 154, MedGen C1843808, MONDO:0011840, OMIM 607482.
Hypertrophic cardiomyopathy 12. Identifiers: MedGen C2677491, MONDO:0012804, OMIM 612124.

Allele frequency attached by ClinVar (database versions not stated): gnomAD 0.00001; TOPMed 0.00001.
gnomAD v4.1: 1 of 1,611,782 alleles (0.000062%); highest among the groups gnomAD compares: African/African-American, 0.0013%; no homozygotes.

Submission:

Labcorp Genetics (formerly Invitae), Labcorp
Classification: Uncertain significance for Hypertrophic cardiomyopathy 12; Dilated cardiomyopathy 1M. Last evaluated: 2022-10-04. Review status: criteria provided, single submitter. Criteria: Invitae Variant Classification Sherloc (09022015). Collection method: clinical testing. Allele origin: germline.
Comment: In summary, the available evidence is currently insufficient to determine the role of this variant in disease. Therefore, it has been classified as a Variant of Uncertain Significance. Variants that disrupt the consensus splice site are a relatively common cause of aberrant splicing (PMID: 17576681, 9536098). Algorithms developed to predict the effect of sequence changes on RNA splicing suggest that this variant is not likely to affect RNA splicing. This variant has not been reported in the literature in individuals affected with CSRP3-related conditions. This variant is present in population databases (no rsID available, gnomAD 0.01%). This sequence change falls in intron 5 of the CSRP3 gene. It does not directly change the encoded amino acid sequence of the CSRP3 protein. It affects a nucleotide within the consensus splice site.

Literature cited by the submitters: PubMed 17576681; PubMed 9536098.